The following is an entry in ClinVar:

NM_020812.4(DOCK6):c.3241-2A>T

Gene: DOCK6 (dedicator of cytokinesis 6; minus strand). Cytogenetic location: 19p13.2.
Variant type: single nucleotide variant.
Coding change: c.3241-2A>T on transcript NM_020812.4 (MANE Select); the canonical splice acceptor site of the intron before coding-DNA position 3241, A replaced by T.
Molecular consequence: splice acceptor variant.
Genome position (GRCh38, 1-based): chr19:11,222,250, T>A on the plus strand (A>T on the coding strand, the complement: DOCK6 is on the minus strand). VCF-style: chr19-11222250-T-A. GRCh37 (hg19) VCF-style: chr19-11332926-T-A.
Other names: c.3346-2A>T (NM_001367830.1).
Identifiers: ClinVar variation 2764748 (VCV002764748.3), dbSNP rs756379625, ClinGen allele CA9207313.
Genomic context (GRCh38, chr19:11,222,250, plus strand): 5'-CTCAGTTCGAACATGCTGGTCACCTTGGGGTCCGGGGCTTGGCTGGAGAAGGTGGAGCTC[T>A]GCAGAGTGGGGGAAAAATGGGGGATGCCAGCGGTCAAGGGTCAGAGGTGGCAGGTCACCA-3'

ClinVar aggregate classification (germline): Likely pathogenic (1 of 4 stars; one submission).

Allele frequency attached by ClinVar (database versions not stated): gnomAD exomes below 0.00001.
gnomAD v4.1: 1 of 1,595,454 alleles (0.000063%); highest among the groups gnomAD compares: Non-Finnish European, 0.000085%; no homozygotes.

Submission:

Labcorp Genetics (formerly Invitae), Labcorp
Classification: Likely pathogenic. Last evaluated: 2024-10-15. Review status: criteria provided, single submitter. Criteria: Invitae Variant Classification Sherloc (09022015). Collection method: clinical testing. Allele origin: germline.
Comment: This sequence change affects an acceptor splice site in intron 26 of the DOCK6 gene. It is expected to disrupt RNA splicing. Variants that disrupt the donor or acceptor splice site typically lead to a loss of protein function (PMID: 16199547), and loss-of-function variants in DOCK6 are known to be pathogenic (PMID: 21820096, 25824905). This variant is not present in population databases (gnomAD no frequency). This variant has not been reported in the literature in individuals affected with DOCK6-related conditions. Algorithms developed to predict the effect of sequence changes on RNA splicing suggest that this variant may disrupt the consensus splice site. In summary, the currently available evidence indicates that the variant is pathogenic, but additional data are needed to prove that conclusively. Therefore, this variant has been classified as Likely Pathogenic.

Literature cited by the submitters: PubMed 16199547; PubMed 21820096; PubMed 25824905.